The following is an entry in ClinVar:

ClinVar aggregate classification (germline): Conflicting classifications of pathogenicity. Review status: criteria provided, conflicting classifications (1 of 4 stars). 3 submissions from 3 submitters: Uncertain significance (2); Likely benign (1). Last evaluated 2024-12-25.

Conditions:
Hypercholesterolemia, familial, 1. Also called: LDL RECEPTOR DISORDER; Hyperlipoproteinemia Type IIa; HYPER-LOW-DENSITY-LIPOPROTEINEMIA; HYPERCHOLESTEROLEMIC XANTHOMATOSIS, FAMILIAL; Fredrickson type IIa hyperlipoproteinemia; Hyperlipoproteinemia type 2. Identifiers: Orphanet 391665, MedGen C0745103, MONDO:0007750, OMIM 143890.
Familial hypobetalipoproteinemia 1. Also called: APOB-Related Familial Hypobetalipoproteinemia; Hypobetalipoproteinemia, normotriglyceridemic; Acanthocytosis with hypobetalipoproteinemia. Identifiers: MedGen C4551990, MONDO:0014252, OMIM 615558.
Hypercholesterolemia, autosomal dominant, type B (FHCL2). Also called: Familial Hypercholesterolemia Type B; APOLIPOPROTEIN B-100, FAMILIAL DEFECTIVE; APOLIPOPROTEIN B-100, FAMILIAL LIGAND-DEFECTIVE; APOB-Related Familial Hypercholesterolemia, Autosomal Dominant; Familial hypercholesterolemia 2; Hyperlipoproteinemia Type IIb. Identifiers: MedGen C1704417, MONDO:0007751, OMIM 144010.
Cardiovascular phenotype. Identifiers: MedGen CN230736.

Allele frequency attached by ClinVar (database versions not stated): TOPMed 0.00002; gnomAD exomes below 0.00001; gnomAD 0.00001.
gnomAD v4.1: 11 of 1,614,050 alleles (0.00068%); highest among the groups gnomAD compares: Middle Eastern, 0.016%; no homozygotes.

Submissions (3):

Labcorp Genetics (formerly Invitae), Labcorp
Classification: Likely benign for Familial hypobetalipoproteinemia 1; Hypercholesterolemia, autosomal dominant, type B. Last evaluated: 2024-12-25. Review status: criteria provided, single submitter. Criteria: Invitae Variant Classification Sherloc (09022015). Collection method: clinical testing. Allele origin: germline.

Ambry Genetics
Classification: Uncertain significance for Cardiovascular phenotype. Last evaluated: 2024-12-21. Review status: criteria provided, single submitter. Criteria: Ambry Variant Classification Scheme 2023. Collection method: clinical testing. Allele origin: germline.
Comment: The p.D1309E variant (also known as c.3927T>A), located in coding exon 25 of the APOB gene, results from a T to A substitution at nucleotide position 3927. The aspartic acid at codon 1309 is replaced by glutamic acid, an amino acid with highly similar properties. This amino acid position is conserved. In addition, this alteration is predicted to be tolerated by in silico analysis. Since supporting evidence is limited at this time, the clinical significance of this alteration remains unclear.

Molecular Diagnostic Laboratory for Inherited Cardiovascular Disease, Montreal Heart Institute
Classification: Uncertain significance for Hypercholesterolemia, familial, 1. Last evaluated: 2019-07-10. Review status: criteria provided, single submitter. Criteria: ACMG Guidelines, 2015. Collection method: clinical testing. Allele origin: germline. Affected: yes.

NM_000384.3(APOB):c.3927T>A (p.Asp1309Glu)

Gene: APOB (apolipoprotein B; minus strand). Cytogenetic location: 2p24.1.
Variant type: single nucleotide variant.
Coding change: c.3927T>A on transcript NM_000384.3 (MANE Select); coding-DNA position 3927, T replaced by A.
Protein change: p.Asp1309Glu; replaces aspartic acid 1309 with glutamic acid.
Molecular consequence: missense variant.
Genome position (GRCh38, 1-based): chr2:21,013,449, A>T on the plus strand (T>A on the coding strand, the complement: APOB is on the minus strand). VCF-style: chr2-21013449-A-T. GRCh37 (hg19) VCF-style: chr2-21236321-A-T.
Other names: short protein forms D1309E.
Identifiers: ClinVar variation 978303 (VCV000978303.8), dbSNP rs966817615, ClinGen allele CA43509565.